The following is an entry in ClinVar:

ClinVar aggregate classification (germline): Uncertain significance (1 of 4 stars; one submission).

Conditions:
Hereditary cancer-predisposing syndrome. Also called: Hereditary Cancer Syndrome; Hereditary neoplastic syndrome; Neoplastic Syndromes, Hereditary; Tumor predisposition. Identifiers: Orphanet 140162, MedGen C0027672, MeSH D009386, MONDO:0015356.

Submission:

Ambry Genetics
Classification: Uncertain significance for Hereditary cancer-predisposing syndrome. Last evaluated: 2021-08-13. Review status: criteria provided, single submitter. Criteria: Ambry Variant Classification Scheme 2023. Collection method: clinical testing. Allele origin: germline.
Comment: The p.N1869Y variant (also known as c.5605A>T), located in coding exon 41 of the POLE gene, results from an A to T substitution at nucleotide position 5605. The asparagine at codon 1869 is replaced by tyrosine, an amino acid with dissimilar properties. This amino acid position is conserved. In addition, the in silico prediction for this alteration is inconclusive. Since supporting evidence is limited at this time, the clinical significance of this alteration remains unclear.

NM_006231.4(POLE):c.5605A>T (p.Asn1869Tyr)

Gene: POLE (DNA polymerase epsilon, catalytic subunit; minus strand). Cytogenetic location: 12q24.33.
Variant type: single nucleotide variant.
Coding change: c.5605A>T on transcript NM_006231.4 (MANE Select); coding-DNA position 5605, A replaced by T.
Protein change: p.Asn1869Tyr; replaces asparagine 1869 with tyrosine.
Molecular consequence: missense variant.
Genome position (GRCh38, 1-based): chr12:132,638,087, T>A on the plus strand (A>T on the coding strand, the complement: POLE is on the minus strand). VCF-style: chr12-132638087-T-A. GRCh37 (hg19) VCF-style: chr12-133214673-T-A.
Other names: short protein forms N1869Y.
Identifiers: ClinVar variation 1748595 (VCV001748595.2), dbSNP rs2138501483, ClinGen allele CA387374113.